The following is an entry in ClinVar:

NM_032119.4(ADGRV1):c.11188G>T (p.Glu3730Ter)

Gene: ADGRV1 (adhesion G protein-coupled receptor V1; plus strand). Cytogenetic location: 5q14.3.
Variant type: single nucleotide variant.
Coding change: c.11188G>T on transcript NM_032119.4 (MANE Select); coding-DNA position 11188, G replaced by T.
Protein change: p.Glu3730Ter; replaces glutamic acid 3730 with a stop codon.
Molecular consequence: nonsense. On other transcripts: non-coding transcript variant (1).
Genome position (GRCh38, 1-based): chr5:90,753,640, G>T. VCF-style: chr5-90753640-G-T. GRCh37 (hg19) VCF-style: chr5-90049457-G-T.
Other names: short protein forms E3730*.
Identifiers: ClinVar variation 933463 (VCV000933463.7), dbSNP rs1755509433, ClinGen allele CA360364647.

ClinVar aggregate classification (germline): Pathogenic (1 of 4 stars; one submission).

Submission:

Labcorp Genetics (formerly Invitae), Labcorp
Classification: Pathogenic. Last evaluated: 2024-11-05. Review status: criteria provided, single submitter. Criteria: Invitae Variant Classification Sherloc (09022015). Collection method: clinical testing. Allele origin: germline.
Comment: This sequence change creates a premature translational stop signal (p.Glu3730*) in the ADGRV1 gene. It is expected to result in an absent or disrupted protein product. Loss-of-function variants in ADGRV1 are known to be pathogenic (PMID: 19357117, 22135276, 22147658, 26226137, 30718709, 31047384, 32467589). This variant is not present in population databases (gnomAD no frequency). This variant has not been reported in the literature in individuals affected with ADGRV1-related conditions. ClinVar contains an entry for this variant (Variation ID: 933463). Algorithms developed to predict the effect of sequence changes on RNA splicing suggest that this variant may disrupt the consensus splice site. For these reasons, this variant has been classified as Pathogenic.

Literature cited by the submitters: PubMed 19357117; PubMed 22135276; PubMed 22147658; PubMed 26226137; PubMed 30718709; PubMed 31047384; PubMed 32467589.